The following is an entry in ClinVar:

NM_182925.5(FLT4):c.3617C>T (p.Ala1206Val)

Gene: FLT4 (fms related receptor tyrosine kinase 4; minus strand). Cytogenetic location: 5q35.3.
Variant type: single nucleotide variant.
Coding change: c.3617C>T on transcript NM_182925.5 (MANE Select); coding-DNA position 3617, C replaced by T.
Protein change: p.Ala1206Val; replaces alanine 1206 with valine.
Molecular consequence: missense variant.
Genome position (GRCh38, 1-based): chr5:180,611,400, G>A on the plus strand (C>T on the coding strand, the complement: FLT4 is on the minus strand). VCF-style: chr5-180611400-G-A. GRCh37 (hg19) VCF-style: chr5-180038400-G-A.
Other names: c.3617C>T, p.Ala1206Val (NM_001354989.2, NM_002020.5); short protein forms A1206V.
Identifiers: ClinVar variation 3351932 (VCV003351932.1).

ClinVar aggregate classification (germline): Uncertain significance (0 of 4 stars; one submission).

Conditions:
FLT4-related disorder. Also called: FLT4-related condition.

gnomAD v4.1: 5 of 1,613,936 alleles (0.00031%); highest among the groups gnomAD compares: African/African-American, 0.0013%; no homozygotes.

Submission:

PreventionGenetics, part of Exact Sciences
Classification: Uncertain significance for FLT4-related condition. Last evaluated: 2024-05-16. Review status: no assertion criteria provided. Collection method: clinical testing. Allele origin: germline.
Comment: The FLT4 c.3617C>T variant is predicted to result in the amino acid substitution p.Ala1206Val. To our knowledge, this variant has not been reported in the literature or in a large population database, indicating this variant is rare. At this time, the clinical significance of this variant is uncertain due to the absence of conclusive functional and genetic evidence.